The following is an entry in ClinVar:

NM_001018115.3(FANCD2):c.1509C>T (p.Asn503=)

Genes: FANCD2 (FA complementation group D2; plus strand), LOC107303338 (3p25 FANCD2 Alu-mediated recombination region; plus strand). Cytogenetic location: 3p25.3.
Variant type: single nucleotide variant.
Coding change: c.1509C>T on transcript NM_001018115.3 (MANE Select); coding-DNA position 1509, C replaced by T.
Protein change: p.Asn503=; no amino-acid change (asparagine 503 retained).
Molecular consequence: synonymous variant.
Genome position (GRCh38, 1-based): chr3:10,049,469, C>T. VCF-style: chr3-10049469-C-T. GRCh37 (hg19) VCF-style: chr3-10091153-C-T.
Other names: NP_001018125.1:p.Asn503=; p.Asn503=; c.1509C>T, p.Asn503= (NM_001319984.2, NM_001374253.1, NM_001374254.1 and 1 more transcripts); c.1509C>T (NM_033084.5).
Identifiers: ClinVar variation 257070 (VCV000257070.21), dbSNP rs6785756, ClinGen allele CA2249677.

ClinVar aggregate classification (germline): Benign/Likely benign. Review status: criteria provided, multiple submitters, no conflicts (2 of 4 stars). 8 submissions from 8 submitters: Benign (7); Likely benign (1). Last evaluated 2026-01-19.

Conditions:
Hereditary breast ovarian cancer syndrome. Also called: Hereditary breast and ovarian cancer syndrome (HBOC); Breast and ovarian cancer; Hereditary breast and/or ovarian cancer syndrome; Hereditary breast and ovarian cancer; Hereditary breast and ovarian cancer syndrome; BRCA1- and BRCA2-Associated Hereditary Breast and Ovarian Cancer. Identifiers: Orphanet 145, MedGen C0677776, MeSH D061325, MONDO:0003582. Disease mechanism: loss of function.
Fanconi anemia (FA). Also called: Fanconi's anemia. Identifiers: Orphanet 84, MedGen C0015625, MeSH D005199, MONDO:0019391.
Fanconi anemia complementation group D2. Also called: FANCD2-Related Fanconi Anemia; FANCONI PANCYTOPENIA, TYPE 4; FANCONI ANEMIA, COMPLEMENTATION GROUP D. Identifiers: Orphanet 84, MedGen C3160738, MONDO:0009214, OMIM 227646.

Allele frequency attached by ClinVar (database versions not stated): ExAC 0.00753; gnomAD exomes 0.03005.

Submissions (8):

Labcorp Genetics (formerly Invitae), Labcorp
Classification: Benign for Fanconi anemia. Last evaluated: 2026-01-19. Review status: criteria provided, single submitter. Criteria: Invitae Variant Classification Sherloc (09022015). Collection method: clinical testing. Allele origin: germline.

Mayo Clinic Laboratories, Mayo Clinic
Classification: Benign. Last evaluated: 2025-09-16. Review status: criteria provided, single submitter. Criteria: ACMG Guidelines, 2015. Collection method: clinical testing. Allele origin: germline. Observed: 17 variant alleles.
Comment: BA1, BP4, BP7

Blueprint Genetics
Classification: Likely benign. Last evaluated: 2024-11-26. Review status: criteria provided, single submitter. Criteria: ACMG Guidelines, 2015. Collection method: clinical testing. Allele origin: germline.

National Health Laboratory Service, Universitas Academic Hospital and University of the Free State
Classification: Benign for Hereditary breast ovarian cancer syndrome. Last evaluated: 2022-04-19. Review status: criteria provided, single submitter. Criteria: ACMG Guidelines, 2015. Collection method: clinical testing. Allele origin: germline. Affected: yes. Observed: 65 variant alleles.

GeneDx
Classification: Benign. Last evaluated: 2019-03-12. Review status: criteria provided, single submitter. Criteria: GeneDx Variant Classification Process June 2021. Collection method: clinical testing. Allele origin: germline. Affected: yes.

Illumina Laboratory Services, Illumina
Classification: Benign for Fanconi anemia complementation group D2. Last evaluated: 2018-01-13. Review status: criteria provided, single submitter. Criteria: ICSL Variant Classification Criteria 13 December 2019. Collection method: clinical testing. Allele origin: germline.
Comment: This variant was observed in the ICSL laboratory as part of a predisposition screen in an ostensibly healthy population. It had not been previously curated by ICSL or reported in the Human Gene Mutation Database (HGMD: prior to June 1st, 2018), and was therefore a candidate for classification through an automated scoring system. Utilizing variant allele frequency, disease prevalence and penetrance estimates, and inheritance mode, an automated score was calculated to assess if this variant is too frequent to cause the disease. Based on the score and internal cut-off values, a variant classified as benign is not then subjected to further curation. The score for this variant resulted in a classification of benign for this disease.

Breakthrough Genomics
Classification: Benign. Review status: criteria provided, single submitter. Criteria: ACMG Guidelines, 2015. Collection method: not provided. Allele origin: germline. Inheritance: Autosomal recessive inheritance. Affected: yes.

PreventionGenetics, part of Exact Sciences
Classification: Benign. Review status: criteria provided, single submitter. Criteria: ACMG Guidelines, 2015. Collection method: clinical testing. Allele origin: germline.